The following is an entry in ClinVar:

ClinVar aggregate classification (germline): Uncertain significance (1 of 4 stars; one submission).

Conditions:
Hereditary spastic paraplegia 39 (SPG39). Also called: Spastic Paraplegia Type 39 (SPG39); SPASTIC PARAPLEGIA 39, AUTOSOMAL RECESSIVE. Identifiers: Orphanet 139480, MedGen C2677586, MONDO:0012787, OMIM 612020.

Allele frequency attached by ClinVar (database versions not stated): gnomAD exomes below 0.00001; TOPMed below 0.00001; gnomAD 0.00001; 1000 Genomes Project 0.00020; 1000 Genomes Project 30x 0.00031.
gnomAD v4.1: 3 of 1,607,378 alleles (0.00019%); highest among the groups gnomAD compares: Non-Finnish European, 0.00017%; no homozygotes.

Submission:

Labcorp Genetics (formerly Invitae), Labcorp
Classification: Uncertain significance for Hereditary spastic paraplegia 39. Last evaluated: 2022-07-06. Review status: criteria provided, single submitter. Criteria: Invitae Variant Classification Sherloc (09022015). Collection method: clinical testing. Allele origin: germline.
Comment: In summary, the available evidence is currently insufficient to determine the role of this variant in disease. Therefore, it has been classified as a Variant of Uncertain Significance. Algorithms developed to predict the effect of missense changes on protein structure and function are either unavailable or do not agree on the potential impact of this missense change (SIFT: "Tolerated"; PolyPhen-2: "Possibly Damaging"; Align-GVGD: "Class C0"). This variant has not been reported in the literature in individuals affected with PNPLA6-related conditions. This variant is present in population databases (rs141102875, gnomAD 0.0009%). This sequence change replaces glutamic acid, which is acidic and polar, with glycine, which is neutral and non-polar, at codon 1268 of the PNPLA6 protein (p.Glu1268Gly).

NM_001166114.2(PNPLA6):c.3917A>G (p.Glu1306Gly)

Gene: PNPLA6 (patatin like domain 6, lysophospholipase; plus strand). Cytogenetic location: 19p13.2.
Variant type: single nucleotide variant.
Coding change: c.3917A>G on transcript NM_001166114.2 (MANE Select); coding-DNA position 3917, A replaced by G.
Protein change: p.Glu1306Gly; replaces glutamic acid 1306 with glycine.
Molecular consequence: missense variant.
Genome position (GRCh38, 1-based): chr19:7,561,211, A>G. VCF-style: chr19-7561211-A-G. GRCh37 (hg19) VCF-style: chr19-7626097-A-G.
Other names: c.3947A>G, p.Glu1316Gly (NM_001166111.2); c.3722A>G, p.Glu1241Gly (NM_001166112.2); c.3803A>G, p.Glu1268Gly (NM_001166113.1, NM_006702.5); short protein forms E1316G, E1241G, E1306G, E1268G.
Identifiers: ClinVar variation 2191786 (VCV002191786.2), dbSNP rs141102875, ClinGen allele CA304883065.